The following is an entry in ClinVar:

ClinVar aggregate classification (germline): Likely pathogenic (1 of 4 stars; one submission).

Submission:

Labcorp Genetics (formerly Invitae), Labcorp
Classification: Likely pathogenic. Last evaluated: 2023-07-10. Review status: criteria provided, single submitter. Criteria: Invitae Variant Classification Sherloc (09022015). Collection method: clinical testing. Allele origin: germline.
Comment: This sequence change affects an acceptor splice site in intron 3 of the GFM1 gene. It is expected to disrupt RNA splicing. Variants that disrupt the donor or acceptor splice site typically lead to a loss of protein function (PMID: 16199547), and loss-of-function variants in GFM1 are known to be pathogenic (PMID: 16632485, 17160893). In summary, the currently available evidence indicates that the variant is pathogenic, but additional data are needed to prove that conclusively. Therefore, this variant has been classified as Likely Pathogenic. Algorithms developed to predict the effect of sequence changes on RNA splicing suggest that this variant may disrupt the consensus splice site. This variant has not been reported in the literature in individuals affected with GFM1-related conditions. This variant is not present in population databases (gnomAD no frequency).

Literature cited by the submitters: PubMed 16199547; PubMed 16632485; PubMed 17160893.

NM_024996.7(GFM1):c.368-1G>C

Gene: GFM1 (G elongation factor mitochondrial 1; plus strand). Cytogenetic location: 3q25.32.
Variant type: single nucleotide variant.
Coding change: c.368-1G>C on transcript NM_024996.7 (MANE Select); the canonical splice acceptor site of the intron before coding-DNA position 368, G replaced by C.
Molecular consequence: splice acceptor variant. On other transcripts: intron variant (4).
Genome position (GRCh38, 1-based): chr3:158,646,742, G>C. VCF-style: chr3-158646742-G-C. GRCh37 (hg19) VCF-style: chr3-158364531-G-C.
Other names: c.368-1G>C (NM_001308164.2, NM_001374355.1, NM_001374356.1 and 1 more transcripts); c.143-1G>C (NM_001374357.1); c.5+961G>C (NM_001374359.1, NM_001374360.1, NM_001374361.1); c.234+961G>C (NM_001374358.1).
Identifiers: ClinVar variation 2740492 (VCV002740492.3), dbSNP rs2473940833, ClinGen allele CA355175727.